The following is an entry in ClinVar:

ClinVar aggregate classification (germline): Uncertain significance (1 of 4 stars; one submission).

Conditions:
Hereditary spastic paraplegia 49 (HSAN9). Also called: TECPR2-Related Hereditary Sensory and Autonomic Neuropathy with Intellectual Disability; NEUROPATHY, HEREDITARY SENSORY AND AUTONOMIC, TYPE IX, WITH DEVELOPMENTAL DELAY; Spastic paraplegia 49, autosomal recessive. Identifiers: Orphanet 320385, MedGen C5190860, MONDO:0014016, OMIM 615031.

Submission:

Labcorp Genetics (formerly Invitae), Labcorp
Classification: Uncertain significance for Hereditary spastic paraplegia 49. Last evaluated: 2022-03-13. Review status: criteria provided, single submitter. Criteria: Invitae Variant Classification Sherloc (09022015). Collection method: clinical testing. Allele origin: germline.
Comment: In summary, the available evidence is currently insufficient to determine the role of this variant in disease. Therefore, it has been classified as a Variant of Uncertain Significance. Algorithms developed to predict the effect of missense changes on protein structure and function output the following: SIFT: "Tolerated"; PolyPhen-2: "Benign"; Align-GVGD: "Class C0". The arginine amino acid residue is found in multiple mammalian species, which suggests that this missense change does not adversely affect protein function. This variant has not been reported in the literature in individuals affected with TECPR2-related conditions. This variant is not present in population databases (gnomAD no frequency). This sequence change replaces histidine, which is basic and polar, with arginine, which is basic and polar, at codon 572 of the TECPR2 protein (p.His572Arg).

NM_014844.5(TECPR2):c.1715A>G (p.His572Arg)

Gene: TECPR2 (tectonin beta-propeller repeat containing 2; plus strand). Cytogenetic location: 14q32.31.
Variant type: single nucleotide variant.
Coding change: c.1715A>G on transcript NM_014844.5 (MANE Select); coding-DNA position 1715, A replaced by G.
Protein change: p.His572Arg; replaces histidine 572 with arginine.
Molecular consequence: missense variant.
Genome position (GRCh38, 1-based): chr14:102,434,532, A>G. VCF-style: chr14-102434532-A-G. GRCh37 (hg19) VCF-style: chr14-102900869-A-G.
Other names: c.1715A>G, p.His572Arg (NM_001172631.3); short protein forms H572R.
Identifiers: ClinVar variation 2108568 (VCV002108568.4), dbSNP rs148716168, ClinGen allele CA391060603.